The following is an entry in ClinVar:

NM_001040108.2(MLH3):c.442G>C (p.Val148Leu)

Gene: MLH3 (mutL homolog 3; minus strand). Cytogenetic location: 14q24.3.
Variant type: single nucleotide variant.
Coding change: c.442G>C on transcript NM_001040108.2 (MANE Select); coding-DNA position 442, G replaced by C.
Protein change: p.Val148Leu; replaces valine 148 with leucine.
Molecular consequence: missense variant.
Genome position (GRCh38, 1-based): chr14:75,049,214, C>G on the plus strand (G>C on the coding strand, the complement: MLH3 is on the minus strand). VCF-style: chr14-75049214-C-G. GRCh37 (hg19) VCF-style: chr14-75515917-C-G.
Other names: c.442G>C, p.Val148Leu (NM_014381.3); short protein forms V148L.
Identifiers: ClinVar variation 1740547 (VCV001740547.3), dbSNP rs757918852, ClinGen allele CA390450269.

ClinVar aggregate classification (germline): Uncertain significance (1 of 4 stars; one submission).

Submission:

Ambry Genetics
Classification: Uncertain significance. Last evaluated: 2024-05-09. Review status: criteria provided, single submitter. Criteria: Ambry Variant Classification Scheme 2023. Collection method: clinical testing. Allele origin: germline.
Comment: The p.V148L variant (also known as c.442G>C), located in coding exon 1 of the MLH3 gene, results from a G to C substitution at nucleotide position 442. The valine at codon 148 is replaced by leucine, an amino acid with highly similar properties. This amino acid position is conserved. In addition, the in silico prediction for this alteration is inconclusive. Since supporting evidence is limited at this time, the clinical significance of this alteration remains unclear.